The following is an entry in ClinVar:

NM_003482.4(KMT2D):c.7393C>G (p.Pro2465Ala)

Gene: KMT2D (lysine methyltransferase 2D; minus strand). Cytogenetic location: 12q13.12.
Variant type: single nucleotide variant.
Coding change: c.7393C>G on transcript NM_003482.4 (MANE Select); coding-DNA position 7393, C replaced by G.
Protein change: p.Pro2465Ala; replaces proline 2465 with alanine.
Molecular consequence: missense variant.
Genome position (GRCh38, 1-based): chr12:49,040,377, G>C on the plus strand (C>G on the coding strand, the complement: KMT2D is on the minus strand). VCF-style: chr12-49040377-G-C. GRCh37 (hg19) VCF-style: chr12-49434160-G-C.
Other names: short protein forms P2465A.
Identifiers: ClinVar variation 2120369 (VCV002120369.4), dbSNP rs2120528088, ClinGen allele CA384747791.
Genomic context (GRCh38, chr12:49,040,377, plus strand): 5'-CTAGAGACCCAGCCTTAAAGGCAACTTCAGGGGGCTGGGGTCGGGGTGGCTTATGCAATG[G>C]GGCAAATGGGTCACGGGACTGAGGGCGTGAGGGTGGGCGAGAATAAGGGTCAGGGGACTG-3'
Protein context (NP_003473.3, residues 2455-2475): SRPQSRDPFA[Pro2465Ala]LHKPPRPQPP

ClinVar aggregate classification (germline): Uncertain significance (1 of 4 stars; one submission).

Conditions:
Kabuki syndrome. Also called: Kabuki make-up syndrome; NIIKAWA-KUROKI SYNDROME. Identifiers: Orphanet 2322, MedGen C0796004, MONDO:0016512.

gnomAD v4.1: 1 of 1,565,684 alleles (0.000064%); highest among the groups gnomAD compares: South Asian, 0.0012%; no homozygotes.

Submission:

Labcorp Genetics (formerly Invitae), Labcorp
Classification: Uncertain significance for Kabuki syndrome. Last evaluated: 2022-04-01. Review status: criteria provided, single submitter. Criteria: Invitae Variant Classification Sherloc (09022015). Collection method: clinical testing. Allele origin: germline.
Comment: In summary, the available evidence is currently insufficient to determine the role of this variant in disease. Therefore, it has been classified as a Variant of Uncertain Significance. Advanced modeling of protein sequence and biophysical properties (such as structural, functional, and spatial information, amino acid conservation, physicochemical variation, residue mobility, and thermodynamic stability) performed at Invitae indicates that this missense variant is not expected to disrupt KMT2D protein function. This variant has not been reported in the literature in individuals affected with KMT2D-related conditions. This variant is not present in population databases (gnomAD no frequency). This sequence change replaces proline, which is neutral and non-polar, with alanine, which is neutral and non-polar, at codon 2465 of the KMT2D protein (p.Pro2465Ala).